The following is an entry in ClinVar:

NM_025114.4(CEP290):c.5972A>G (p.Lys1991Arg)

Gene: CEP290 (centrosomal protein 290; minus strand). Cytogenetic location: 12q21.32.
Variant type: single nucleotide variant.
Coding change: c.5972A>G on transcript NM_025114.4 (MANE Select); coding-DNA position 5972, A replaced by G.
Protein change: p.Lys1991Arg; replaces lysine 1991 with arginine.
Molecular consequence: missense variant.
Genome position (GRCh38, 1-based): chr12:88,071,333, T>C on the plus strand (A>G on the coding strand, the complement: CEP290 is on the minus strand). VCF-style: chr12-88071333-T-C. GRCh37 (hg19) VCF-style: chr12-88465110-T-C.
Other names: c.5972A>G (NM_025114.3); short protein forms K1991R.
Identifiers: ClinVar variation 3575377 (VCV003575377.2).

ClinVar aggregate classification (germline): Uncertain significance. Review status: criteria provided, multiple submitters, no conflicts (2 of 4 stars). 2 submissions from 2 submitters: Uncertain significance (2). Last evaluated 2025-11-19.

Conditions:
CEP290-related disorder. Also called: CEP290-related condition; CEP290-related disorders. Identifiers: MedGen CN239314.
Leber congenital amaurosis 10 (LCA10). Identifiers: Orphanet 65, MedGen C1857821, MONDO:0012723, OMIM 611755.
Meckel syndrome, type 4 (MKS4). Also called: MECKEL-GRUBER SYNDROME, TYPE 4. Identifiers: Orphanet 564, MedGen C1970161, MONDO:0012626, OMIM 611134.
Senior-Loken syndrome 6 (SLSN6). Identifiers: Orphanet 3156, MedGen C1857779, MONDO:0012433, OMIM 610189.
Joubert syndrome 5 (JBTS5). Identifiers: Orphanet 2318, MedGen C1857780, MONDO:0012432, OMIM 610188.
Bardet-Biedl syndrome 14 (BBS14). Identifiers: Orphanet 110, MedGen C2673874, MONDO:0014442, OMIM 615991.

gnomAD v4.1: 4 of 1,608,246 alleles (0.00025%); highest among the groups gnomAD compares: Admixed American, 0.005%; no homozygotes.

Submissions (2):

PreventionGenetics, part of Exact Sciences
Classification: Uncertain significance for CEP290-related condition. Last evaluated: 2025-11-19. Review status: criteria provided, single submitter. Criteria: ACMG Guidelines, 2015. Collection method: clinical testing. Allele origin: germline.
Comment: The CEP290 c.5972A>G variant is predicted to result in the amino acid substitution p.Lys1991Arg. To our knowledge, this variant has not been reported in the literature. This variant is reported in 0.0089% of alleles in individuals of Latino descent in gnomAD. At this time, the clinical significance of this variant is uncertain due to the absence of conclusive functional and genetic evidence.

Fulgent Genetics
Classification: Uncertain significance for Joubert syndrome 5; Senior-Loken syndrome 6; Meckel syndrome, type 4; Leber congenital amaurosis 10; Bardet-Biedl syndrome 14. Last evaluated: 2024-05-04. Review status: criteria provided, single submitter. Criteria: ACMG Guidelines, 2015. Collection method: clinical testing. Allele origin: germline.